The following is an entry in ClinVar:

NM_000256.3(MYBPC3):c.1144C>T (p.Arg382Trp)

Gene: MYBPC3 (myosin binding protein C3; minus strand). Cytogenetic location: 11p11.2.
Variant type: single nucleotide variant.
Coding change: c.1144C>T on transcript NM_000256.3 (MANE Select); coding-DNA position 1144, C replaced by T.
Protein change: p.Arg382Trp; replaces arginine 382 with tryptophan.
Molecular consequence: missense variant.
Genome position (GRCh38, 1-based): chr11:47,343,571, G>A on the plus strand (C>T on the coding strand, the complement: MYBPC3 is on the minus strand). VCF-style: chr11-47343571-G-A. GRCh37 (hg19) VCF-style: chr11-47365122-G-A.
Other names: p.R382W:CGG>TGG; short protein forms R382W.
Identifiers: ClinVar variation 42506 (VCV000042506.54), dbSNP rs11570076, ClinGen allele CA009811.

ClinVar aggregate classification (germline): Benign/Likely benign. Review status: criteria provided, multiple submitters, no conflicts (2 of 4 stars). 19 submissions from 18 submitters: Benign (11); Likely benign (4). 4 of the submissions do not count toward it. Last evaluated 2026-02-03.

Conditions:
Cardiovascular phenotype. Identifiers: MedGen CN230736.
Left ventricular noncompaction 10 (LVNC10). Identifiers: Orphanet 154, Orphanet 54260, MedGen C3715165, MONDO:0014163, OMIM 615396.
Cardiomyopathy (CMYO). Also called: Cardiomyopathies. Identifiers: Orphanet 167848, MedGen C0878544, MONDO:0004994, HP:0001638. Inheritance: Various modes of inheritance.
Arrhythmogenic right ventricular dysplasia 1. Identifiers: Orphanet 3403, MedGen C1862511, MONDO:0007152, OMIM 107970.
Hypertrophic cardiomyopathy 4. Also called: Familial hypertrophic cardiomyopathy 4. Identifiers: MedGen C1861862, MONDO:0007268, OMIM 115197.
Hypertrophic cardiomyopathy. Also called: HYPERTROPHIC MYOCARDIOPATHY. Identifiers: Orphanet 217569, MedGen C0007194, MeSH D002312, MONDO:0005045, HP:0001639.

Allele frequency attached by ClinVar (database versions not stated): 1000 Genomes Project 30x 0.01280; gnomAD 0.01308 and 0.01409; gnomAD exomes 0.00133 and 0.00303; ExAC 0.00422; ESP Exome Variant Server 0.01028; 1000 Genomes Project 0.01258; TOPMed 0.01459.
gnomAD v4.1: 4,049 of 1,611,812 alleles (0.25%); highest among the groups gnomAD compares: African/African-American, 4.7%; 105 homozygotes.

Submissions (19):

Labcorp Genetics (formerly Invitae), Labcorp
Classification: Benign for Hypertrophic cardiomyopathy. Last evaluated: 2026-02-03. Review status: criteria provided, single submitter. Criteria: Invitae Variant Classification Sherloc (09022015). Collection method: clinical testing. Allele origin: germline.

ARUP Laboratories, Molecular Genetics and Genomics, ARUP Laboratories
Classification: Benign. Last evaluated: 2025-04-08. Review status: criteria provided, single submitter. Criteria: ARUP Molecular Germline Variant Investigation Process 2024. Collection method: clinical testing. Allele origin: germline.

All of Us Research Program, National Institutes of Health
Classification: Benign for Hypertrophic cardiomyopathy. Last evaluated: 2024-09-24. Review status: criteria provided, single submitter. Criteria: ACMG Guidelines, 2015. Collection method: clinical testing. Allele origin: germline. Inheritance: Autosomal dominant inheritance. Observed: 1,115 variant alleles, 1,092 heterozygotes, 23 homozygotes.
Comment: This study involves interpretation of variants in research participants for the purpose of population health screening. Participant phenotype was not available at the time of variant classification. Additional details can be found in publication PMID: 35346344, PMCID: PMC8962531

Molecular Diagnostic Laboratory for Inherited Cardiovascular Disease, Montreal Heart Institute
Classification: Likely benign for Arrhythmogenic right ventricular dysplasia 1. Last evaluated: 2019-11-15. Review status: criteria provided, single submitter. Criteria: ACMG Guidelines, 2015. Collection method: clinical testing. Allele origin: germline. Affected: yes.

Color Diagnostics, LLC DBA Color Health
Classification: Benign for Cardiomyopathy. Last evaluated: 2018-03-19. Review status: criteria provided, single submitter. Criteria: ACMG Guidelines, 2015. Collection method: clinical testing. Allele origin: germline.

Illumina Laboratory Services, Illumina
Classification: Likely benign for Hypertrophic cardiomyopathy 4. Last evaluated: 2018-01-13. Review status: criteria provided, single submitter. Criteria: ICSL Variant Classification Criteria 13 December 2019. Collection method: clinical testing. Allele origin: germline.
Comment: This variant was observed in the ICSL laboratory as part of a predisposition screen in an ostensibly healthy population. It had not been previously curated by ICSL or reported in the Human Gene Mutation Database (HGMD: prior to June 1st, 2018), and was therefore a candidate for classification through an automated scoring system. Utilizing variant allele frequency, disease prevalence and penetrance estimates, and inheritance mode, an automated score was calculated to assess if this variant is too frequent to cause the disease. Based on the score and internal cut-off values, a variant classified as likely benign is not then subjected to further curation. The score for this variant resulted in a classification of likely benign for this disease.

Illumina Laboratory Services, Illumina
Classification: Benign for Left ventricular noncompaction 10. Last evaluated: 2018-01-13. Review status: criteria provided, single submitter. Criteria: ICSL Variant Classification Criteria 13 December 2019. Collection method: clinical testing. Allele origin: germline.
Comment: This variant was observed in the ICSL laboratory as part of a predisposition screen in an ostensibly healthy population. It had not been previously curated by ICSL or reported in the Human Gene Mutation Database (HGMD: prior to June 1st, 2018), and was therefore a candidate for classification through an automated scoring system. Utilizing variant allele frequency, disease prevalence and penetrance estimates, and inheritance mode, an automated score was calculated to assess if this variant is too frequent to cause the disease. Based on the score and internal cut-off values, a variant classified as benign is not then subjected to further curation. The score for this variant resulted in a classification of benign for this disease.

Genome Diagnostics Laboratory, University Medical Center Utrecht
Classification: Benign for Hypertrophic cardiomyopathy 4. Last evaluated: 2016-10-19. Review status: criteria provided, single submitter. Criteria: ACGS Guidelines, 2013. Collection method: clinical testing. Allele origin: germline. Affected: yes. Study: VKGL Data-share Consensus.

Mayo Clinic Laboratories, Mayo Clinic
Classification: Benign. Last evaluated: 2016-04-04. Review status: criteria provided, single submitter. Criteria: ACMG Guidelines, 2015. Collection method: clinical testing. Allele origin: germline. Observed: 28 variant alleles.

Ambry Genetics
Classification: Benign for Cardiovascular phenotype. Last evaluated: 2015-07-14. Review status: criteria provided, single submitter. Criteria: Ambry Variant Classification Scheme 2023. Collection method: clinical testing. Allele origin: germline.

Biesecker Lab/Clinical Genomics Section, National Institutes of Health
Classification: Benign. Last evaluated: 2013-06-24. Review status: criteria provided, single submitter. Criteria: Ng et al. (Circ Cardiovasc Genet. 2013). Collection method: research. Allele origin: unknown. Observed: 2 variant alleles. Study: ClinSeq.
Comment: The study set was not selected for affection status in relation to any cancer. Pathogenicity categories were based on literature curation. See Pubmed ID:23861362 for details.

Medical sequencing

GeneDx
Classification: Benign. Last evaluated: 2011-07-06. Review status: criteria provided, single submitter. Criteria: GeneDx Variant Classification (06012015). Collection method: clinical testing. Allele origin: germline. Affected: yes.
Comment: This variant is considered likely benign or benign based on one or more of the following criteria: it is a conservative change, it occurs at a poorly conserved position in the protein, it is predicted to be benign by multiple in silico algorithms, and/or has population frequency not consistent with disease.

Laboratory for Molecular Medicine, Mass General Brigham Personalized Medicine
Classification: Benign. Last evaluated: 2011-06-09. Review status: criteria provided, single submitter. Criteria: LMM Criteria. Collection method: clinical testing. Allele origin: germline. Observed: 80 variant alleles.
Comment: This variant is classified as benign based on its high frequency in the general population (rs11570076; MAF = 7%).

Breakthrough Genomics
Classification: Likely benign. Review status: criteria provided, single submitter. Criteria: ACMG Guidelines, 2015. Collection method: not provided. Allele origin: germline. Inheritance: Autosomal dominant inheritance. Affected: yes.

PreventionGenetics, part of Exact Sciences
Classification: Likely benign. Review status: criteria provided, single submitter. Criteria: ACMG Guidelines, 2015. Collection method: clinical testing. Allele origin: germline.

Cohesion Phenomics
Classification: Benign for Hypertrophic cardiomyopathy. Last evaluated: 2022-10-10. Review status: no assertion criteria provided. Criteria: ACMG Guidelines, 2015. Collection method: clinical testing. Allele origin: germline. Affected: yes. Not counted in ClinVar's aggregate classification.

Clinical Genetics, Academic Medical Center
Classification: Benign. Review status: no assertion criteria provided. Collection method: clinical testing. Allele origin: germline. Affected: yes. Study: VKGL Data-share Consensus. Not counted in ClinVar's aggregate classification.

Joint Genome Diagnostic Labs from Nijmegen and Maastricht, Radboudumc and MUMC+
Classification: Benign. Review status: no assertion criteria provided. Collection method: clinical testing. Allele origin: germline. Affected: yes. Study: VKGL Data-share Consensus. Not counted in ClinVar's aggregate classification.

Zaffran Lab, Genetics of Cardiac Diseases Laboratory, Marseille Medical Genetics
Classification: Benign for hypertrophic cardiomyopathy. Review status: no assertion criteria provided. Collection method: research. Allele origin: unknown. Affected: yes. Not counted in ClinVar's aggregate classification.

Literature cited by the submitters: PubMed 15519027 (cited by Laboratory for Molecular Medicine, Mass General Brigham Personalized Medicine).